The following is an entry in ClinVar:

NM_000038.6(APC):c.398_399del (p.Tyr133fs)

Gene: APC (APC regulator of Wnt signaling pathway; plus strand). Cytogenetic location: 5q22.2.
Variant type: Microsatellite.
Coding change: c.398_399del on transcript NM_000038.6 (MANE Select); coding-DNA positions 398 to 399, 2 bases deleted (AT; older notation c.398_399delAT).
Protein change: p.Tyr133fs; shifts the reading frame from tyrosine 133.
Molecular consequence: frameshift variant. On other transcripts: 5 prime UTR variant (1).
Genome position (GRCh38, 1-based): chr5:112,767,366-112,767,367, AT deleted; deleting any 2 consecutive bases within chr5:112,767,364-112,767,367 gives the same sequence; the c. name uses the placement nearest the transcript's 3' end. VCF-style (leftmost placement, unchanged base first): chr5-112767363-GAT-G. GRCh37 (hg19) VCF-style: chr5-112103060-GAT-G.
Other names: c.398_399del, p.Tyr133fs (NM_001127510.3, NM_001354895.2, NM_001354896.2 and 2 more transcripts); c.428_429del, p.Tyr143fs (NM_001127511.3, NM_001354897.2, NM_001354902.2); c.323_324del, p.Tyr108fs (NM_001354898.2, NM_001354904.2); c.221_222del, p.Tyr74fs (NM_001354900.2, NM_001354901.2, NM_001354905.2); c.396_397AT[1], p.Tyr133Phefs (NM_001407454.1, NM_001407455.1, NM_001407456.1 and 11 more transcripts); c.-640_-639AT[1] (NM_001407470.1, NM_001407471.1, NM_001407472.1); c.-640AT[1] (NM_001354906.2); c.426_427AT[1], p.Tyr143Phefs (NM_001407446.1); and 2 more; short protein forms Y108fs, Y143fs, Y133fs, Y74fs.
Identifiers: ClinVar variation 1736697 (VCV001736697.5), dbSNP rs2532301839, ClinGen allele CA1139768716.

ClinVar aggregate classification (germline): Pathogenic. Review status: criteria provided, multiple submitters, no conflicts (2 of 4 stars). 4 submissions from 4 submitters: Pathogenic (4). Last evaluated 2025-04-03.

Conditions:
Hereditary cancer-predisposing syndrome. Also called: Neoplastic Syndromes, Hereditary; Tumor predisposition; Hereditary Cancer Syndrome; Hereditary neoplastic syndrome. Identifiers: Orphanet 140162, MedGen C0027672, MeSH D009386, MONDO:0015356.
Familial adenomatous polyposis 1 (FAP1). Also called: FAMILIAL ADENOMATOUS POLYPOSIS 1, ATTENUATED; POLYPOSIS, ADENOMATOUS INTESTINAL. Identifiers: MedGen C2713442, MONDO:0021056, OMIM 175100. Disease mechanism: loss of function.

Submissions (4):

Molecular Pathology, Peter Maccallum Cancer Centre
Classification: Pathogenic for Familial adenomatous polyposis 1. Last evaluated: 2025-04-03. Review status: criteria provided, single submitter. Criteria: ACMG Guidelines, 2015. Collection method: clinical testing. Allele origin: germline. Inheritance: Autosomal dominant inheritance.

Labcorp Genetics (formerly Invitae), Labcorp
Classification: Pathogenic for Familial adenomatous polyposis 1. Last evaluated: 2025-03-12. Review status: criteria provided, single submitter. Criteria: Invitae Variant Classification Sherloc (09022015). Collection method: clinical testing. Allele origin: germline.
Comment: This sequence change creates a premature translational stop signal (p.Tyr133Phefs*5) in the APC gene. It is expected to result in an absent or disrupted protein product. Loss-of-function variants in APC are known to be pathogenic (PMID: 17963004, 20685668). This variant is not present in population databases (gnomAD no frequency). This variant has not been reported in the literature in individuals affected with APC-related conditions. For these reasons, this variant has been classified as Pathogenic.

Myriad Genetics, Inc.
Classification: Pathogenic for Familial adenomatous polyposis 1. Last evaluated: 2023-04-25. Review status: criteria provided, single submitter. Criteria: Myriad Autosomal Dominant, Autosomal Recessive and X-Linked Classification Criteria (2023). Collection method: clinical testing. Allele origin: unknown.
Comment: This variant is considered pathogenic. This variant creates a frameshift predicted to result in premature protein truncation.

Ambry Genetics
Classification: Pathogenic for Hereditary cancer-predisposing syndrome. Last evaluated: 2022-08-02. Review status: criteria provided, single submitter. Criteria: Ambry Variant Classification Scheme 2023. Collection method: clinical testing. Allele origin: germline.
Comment: The c.398_399delAT pathogenic mutation, located in coding exon 3 of the APC gene, results from a deletion of two nucleotides at nucleotide positions 398 to 399, causing a translational frameshift with a predicted alternate stop codon (p.Y133Ffs*5). This alteration has been observed in at least one individual with a personal and/or family history that is consistent with APC-related disease (Ambry internal data). This variant is considered to be rare based on population cohorts in the Genome Aggregation Database (gnomAD). This alteration is expected to result in loss of function by premature protein truncation or nonsense-mediated mRNA decay. As such, this alteration is interpreted as a disease-causing mutation.

Literature cited by the submitters: PubMed 17963004 (cited by Labcorp Genetics (formerly Invitae), Labcorp); PubMed 20685668 (cited by Labcorp Genetics (formerly Invitae), Labcorp).